The following is an entry in ClinVar:

ClinVar aggregate classification (germline): Uncertain significance (1 of 4 stars; one submission).

Allele frequency attached by ClinVar (database versions not stated): gnomAD exomes 0.00002 and 0.00004; ExAC 0.00003; gnomAD 0.00003 and 0.00004; TOPMed 0.00006; ESP Exome Variant Server 0.00023.
gnomAD v4.1: 38 of 1,614,004 alleles (0.0024%); highest among the groups gnomAD compares: Admixed American, 0.005%; no homozygotes.

Submission:

Labcorp Genetics (formerly Invitae), Labcorp
Classification: Uncertain significance. Last evaluated: 2023-08-04. Review status: criteria provided, single submitter. Criteria: Invitae Variant Classification Sherloc (09022015). Collection method: clinical testing. Allele origin: germline.
Comment: In summary, the available evidence is currently insufficient to determine the role of this variant in disease. Therefore, it has been classified as a Variant of Uncertain Significance. Experimental studies and prediction algorithms are not available or were not evaluated, and the functional significance of this variant is currently unknown. ClinVar contains an entry for this variant (Variation ID: 1475904). This variant has not been reported in the literature in individuals affected with PTPN23-related conditions. This variant is present in population databases (rs377276212, gnomAD 0.007%). This sequence change replaces threonine, which is neutral and polar, with methionine, which is neutral and non-polar, at codon 407 of the PTPN23 protein (p.Thr407Met).

NM_015466.4(PTPN23):c.1220C>T (p.Thr407Met)

Gene: PTPN23 (protein tyrosine phosphatase non-receptor type 23; plus strand). Cytogenetic location: 3p21.31.
Variant type: single nucleotide variant.
Coding change: c.1220C>T on transcript NM_015466.4 (MANE Select); coding-DNA position 1220, C replaced by T.
Protein change: p.Thr407Met; replaces threonine 407 with methionine.
Molecular consequence: missense variant.
Genome position (GRCh38, 1-based): chr3:47,408,380, C>T. VCF-style: chr3-47408380-C-T. GRCh37 (hg19) VCF-style: chr3-47449870-C-T.
Other names: c.842C>T, p.Thr281Met (NM_001304482.2); short protein forms T407M, T281M.
Identifiers: ClinVar variation 1475904 (VCV001475904.4), dbSNP rs377276212, ClinGen allele CA2365684.